The following is an entry in ClinVar:

ClinVar aggregate classification (germline): Uncertain significance (1 of 4 stars; one submission).

Conditions:
Cardiovascular phenotype. Identifiers: MedGen CN230736.

Submission:

Ambry Genetics
Classification: Uncertain significance for Cardiovascular phenotype. Last evaluated: 2015-04-06. Review status: criteria provided, single submitter. Criteria: Ambry Variant Classification Scheme 2023. Collection method: clinical testing. Allele origin: germline.
Comment: The p.L21580H variant (also known as c.64739T>A), located in coding exon 165 of the TTN gene, results from a T to A substitution at nucleotide position 64739. The leucine at codon 21580 is replaced by histidine, an amino acid with some similar properties. This variant was not reported in population based cohorts in the following databases: Database of Single Nucleotide Polymorphisms (dbSNP), NHLBI Exome Sequencing Project (ESP), and 1000 Genomes Project. In the ESP, this variant was not observed in 5,988 samples (11,976 alleles) with coverage at this position. This amino acid position is conserved in available vertebrate species through mammals, except histidine is the reference amino acid in cow. In addition, this alteration is predicted to be tolerated by in silico analysis. Since supporting evidence is limited at this time, the clinical significance of this variant remains unclear.

NM_001267550.2(TTN):c.91934T>A (p.Leu30645His)

Genes: TTN (titin; minus strand), TTN-AS1 (TTN antisense RNA 1; plus strand). Cytogenetic location: 2q31.2.
Variant type: single nucleotide variant.
Coding change: c.91934T>A on transcript NM_001267550.2 (MANE Select); coding-DNA position 91934, T replaced by A.
Protein change: p.Leu30645His; replaces leucine 30645 with histidine.
Molecular consequence: missense variant.
Genome position (GRCh38, 1-based): chr2:178,549,788, A>T on the plus strand (T>A on the coding strand, the complement: TTN is on the minus strand). VCF-style: chr2-178549788-A-T. GRCh37 (hg19) VCF-style: chr2-179414515-A-T.
Other names: c.87011T>A, p.Leu29004His (NM_001256850.1); c.64739T>A, p.Leu21580His (NM_003319.4); c.84230T>A, p.Leu28077His (NM_133378.4); c.65114T>A, p.Leu21705His (NM_133432.3); c.65315T>A, p.Leu21772His (NM_133437.4); short protein forms L21580H, L30645H, L21705H, L28077H, L21772H, L29004H.
Identifiers: ClinVar variation 263942 (VCV000263942.5), dbSNP rs886038985, ClinGen allele CA10587454.